The following is an entry in ClinVar:

NC_000001.10:g.(?_245005226)_(245006478_?)del

Gene: COX20 (cytochrome c oxidase assembly factor COX20; plus strand). Cytogenetic location: 1q44.
Variant type: Deletion.
Identifiers: ClinVar variation 2427637 (VCV002427637.4).

ClinVar aggregate classification (germline): Uncertain significance (1 of 4 stars; one submission).

Submission:

Labcorp Genetics (formerly Invitae), Labcorp
Classification: Uncertain significance. Last evaluated: 2022-06-17. Review status: criteria provided, single submitter. Criteria: Invitae Variant Classification Sherloc (09022015). Collection method: clinical testing. Allele origin: germline.
Comment: This variant has not been reported in the literature in individuals affected with COX20-related conditions. In summary, the available evidence is currently insufficient to determine the role of this variant in disease. Therefore, it has been classified as a Variant of Uncertain Significance. Experimental studies and prediction algorithms are not available or were not evaluated, and the functional significance of this variant is currently unknown. This variant is a gross deletion of the genomic region encompassing exon(s) 2-4 of the COX20 gene, which includes the termination codon. This deletion extends beyond the assayed region for this gene and therefore may encompass additional genes. While this deletion is not anticipated to lead to nonsense mediated decay, it is expected to alter mRNA translation or result in a truncated protein product.